The following is an entry in ClinVar:

NM_021120.4(DLG3):c.1019A>G (p.His340Arg)

Gene: DLG3 (discs large MAGUK scaffold protein 3; plus strand). Cytogenetic location: Xq13.1.
Variant type: single nucleotide variant.
Coding change: c.1019A>G on transcript NM_021120.4 (MANE Select); coding-DNA position 1019, A replaced by G.
Protein change: p.His340Arg; replaces histidine 340 with arginine.
Molecular consequence: missense variant.
Genome position (GRCh38, 1-based): chrX:70,451,900, A>G. VCF-style: chrX-70451900-A-G. GRCh37 (hg19) VCF-style: chrX-69671750-A-G.
Other names: short protein forms H340R.
Identifiers: ClinVar variation 4975578 (VCV004975578.1).

ClinVar aggregate classification (germline): Uncertain significance (1 of 4 stars; one submission).

Submission:

GeneDx
Classification: Uncertain significance. Last evaluated: 2026-01-29. Review status: criteria provided, single submitter. Criteria: GeneDx Variant Classification Process June 2021. Collection method: clinical testing. Allele origin: germline.
Comment: Not observed at significant frequency in large population cohorts (gnomAD); In silico analysis suggests that this missense variant does not alter protein structure/function; Has not been previously published as pathogenic or benign to our knowledge